The following is an entry in ClinVar:

NM_002907.4(RECQL):c.1651dup (p.Ile551fs)

Gene: RECQL (RecQ like helicase; minus strand). Cytogenetic location: 12p12.1.
Variant type: Duplication.
Coding change: c.1651dup on transcript NM_002907.4 (MANE Select); coding-DNA position 1651, one base duplicated (A; older notation c.1651dupA).
Protein change: p.Ile551fs; shifts the reading frame from isoleucine 551.
Molecular consequence: frameshift variant.
Genome position (GRCh38, 1-based): chr12:21,471,444, T duplicated on the plus strand (A on the coding strand, the reverse complement: RECQL is on the minus strand); the first of 2 consecutive T bases (chr12:21,471,444-21,471,445); duplicating either gives the same sequence. VCF-style (leftmost placement, unchanged base first): chr12-21471443-A-AT. GRCh37 (hg19) VCF-style: chr12-21624377-A-AT.
Other names: c.1651dup, p.Ile551fs (NM_032941.3); short protein forms I551fs.
Identifiers: ClinVar variation 1777266 (VCV001777266.2), dbSNP rs2540319680, ClinGen allele CA2580085240.
Genomic context (GRCh38, chr12:21,471,443, plus strand): 5'-ACCATAAAGACAACCTGAAAGAATAATGAATGAGTTTGTACATACTTAAGATACTGCTGT[A>AT]TTAGAAAGTGTGCAATAATCTTCTCCAGATCTTCACGAGGAAGTGTGGGAGCCACAACAC-3'

ClinVar aggregate classification (germline): Uncertain significance (1 of 4 stars; one submission).

Submission:

Ambry Genetics
Classification: Uncertain significance. Last evaluated: 2021-06-03. Review status: criteria provided, single submitter. Criteria: Ambry Variant Classification Scheme 2023. Collection method: clinical testing. Allele origin: germline.
Comment: The c.1651dupA variant, located in coding exon 12 of the RECQL gene, results from a duplication of A at nucleotide position 1651, causing a translational frameshift with a predicted alternate stop codon (p.I551Nfs*6). This alteration is expected to result in premature protein truncation or nonsense-mediated mRNA decay. However, the gene-disease association for RECQL is limited. Since supporting evidence is limited at this time, the clinical significance of this alteration remains unclear.